The following is an entry in ClinVar:

ClinVar aggregate classification (germline): Uncertain significance (1 of 4 stars; one submission).

Conditions:
Deafness-lymphedema-leukemia syndrome. Also called: Lymphedema, primary, with myelodysplasia; Emberger syndrome. Identifiers: Orphanet 3226, MedGen C3279664, MONDO:0013540, OMIM 614038.
Monocytopenia with susceptibility to infections. Also called: MONOCYTOPENIA AND MYCOBACTERIAL INFECTION SYNDROME; MONOCYTOPENIA WITH SUSCEPTIBILITY TO MYCOBACTERIAL, FUNGAL, AND PAPILLOMAVIRUS INFECTIONS AND MYELODYSPLASIA; COMBINED IMMUNODEFICIENCY WITH SUSCEPTIBILITY TO MYCOBACTERIAL, VIRAL, AND FUNGAL INFECTIONS; Dendritic cell, monocyte, B lymphocyte, and natural killer lymphocyte deficiency; IMMUNODEFICIENCY 21; GATA2 DEFICIENCY. Identifiers: Orphanet 228423, MedGen C3280030, MONDO:0013607, OMIM 614172.

Submission:

Labcorp Genetics (formerly Invitae), Labcorp
Classification: Uncertain significance for Monocytopenia with susceptibility to infections; Deafness-lymphedema-leukemia syndrome. Last evaluated: 2024-01-14. Review status: criteria provided, single submitter. Criteria: Invitae Variant Classification Sherloc (09022015). Collection method: clinical testing. Allele origin: germline.
Comment: This sequence change falls in intron 3 of the GATA2 gene. It does not directly change the encoded amino acid sequence of the GATA2 protein. It affects a nucleotide within the consensus splice site. This variant is not present in population databases (gnomAD no frequency). This variant has not been reported in the literature in individuals affected with GATA2-related conditions. Variants that disrupt the consensus splice site are a relatively common cause of aberrant splicing (PMID: 17576681, 9536098). Algorithms developed to predict the effect of sequence changes on RNA splicing suggest that this variant is not likely to affect RNA splicing. In summary, the available evidence is currently insufficient to determine the role of this variant in disease. Therefore, it has been classified as a Variant of Uncertain Significance.

Literature cited by the submitters: PubMed 17576681; PubMed 9536098.

NM_032638.5(GATA2):c.871+5A>G

Gene: GATA2 (GATA binding protein 2; minus strand). Cytogenetic location: 3q21.3.
Variant type: single nucleotide variant.
Coding change: c.871+5A>G on transcript NM_032638.5 (MANE Select); 5 bases into the intron after coding-DNA position 871, A replaced by G.
Molecular consequence: intron variant.
Genome position (GRCh38, 1-based): chr3:128,485,722, T>C on the plus strand (A>G on the coding strand, the complement: GATA2 is on the minus strand). VCF-style: chr3-128485722-T-C. GRCh37 (hg19) VCF-style: chr3-128204565-T-C.
Other names: c.871+5A>G (NM_001145662.1, NM_001145661.2).
Identifiers: ClinVar variation 2953552 (VCV002953552.3), dbSNP rs2472929672, ClinGen allele CA2740090987.